The following is an entry in ClinVar:

NM_000330.4(RS1):c.416del (p.Gln139fs)

Genes: CDKL5 (cyclin dependent kinase like 5; plus strand), RS1 (retinoschisin 1; minus strand). Cytogenetic location: Xp22.13.
Variant type: Deletion.
Coding change: c.416del on transcript NM_000330.4 (MANE Select); coding-DNA position 416, one base deleted (A; older notation c.416delA).
Protein change: p.Gln139fs; shifts the reading frame from glutamine 139.
Molecular consequence: frameshift variant. On other transcripts: intron variant (2).
Genome position (GRCh38, 1-based): chrX:18,644,536, T deleted on the plus strand (A on the coding strand, the reverse complement: RS1 is on the minus strand). VCF-style (leftmost placement, unchanged base first): chrX-18644535-CT-C. GRCh37 (hg19) VCF-style: chrX-18662655-CT-C.
Other names: c.416delA, p.Gln139Argfs (NM_000330.3); c.2714-1471del (NM_003159.3, NM_001037343.2); short protein forms Q139fs.
Identifiers: ClinVar variation 98955 (VCV000098955.9), dbSNP rs61752155, ClinGen allele CA226721.

ClinVar aggregate classification (germline): Pathogenic. Review status: criteria provided, multiple submitters, no conflicts (2 of 4 stars). 4 submissions from 4 submitters: Pathogenic (3). 1 of the submissions does not count toward it. Last evaluated 2025-12-17.

Conditions:
RS1-related disorder. Also called: RS1-related condition.

Allele frequency attached by ClinVar (database versions not stated): gnomAD exomes below 0.00001; TOPMed below 0.00001; gnomAD 0.00001.

Submissions (4):

Labcorp Genetics (formerly Invitae), Labcorp
Classification: Pathogenic. Last evaluated: 2025-12-17. Review status: criteria provided, single submitter. Criteria: Invitae Variant Classification Sherloc (09022015). Collection method: clinical testing. Allele origin: germline.
Comment: This sequence change creates a premature translational stop signal (p.Gln139Argfs*10) in the RS1 gene. It is expected to result in an absent or disrupted protein product. Loss-of-function variants in RS1 are known to be pathogenic (PMID: 9618178, 17172462). This variant is not present in population databases (gnomAD no frequency). This premature translational stop signal has been observed in individual(s) with retinoschisis (PMID: 9618178, 20238027, 23847049, 29099798). ClinVar contains an entry for this variant (Variation ID: 98955). For these reasons, this variant has been classified as Pathogenic.

GeneDx
Classification: Pathogenic. Last evaluated: 2023-12-13. Review status: criteria provided, single submitter. Criteria: GeneDx Variant Classification Process June 2021. Collection method: clinical testing. Allele origin: germline. Affected: yes.
Comment: Frameshift variant predicted to result in protein truncation or nonsense mediated decay in a gene for which loss of function is a known mechanism of disease; Not observed at significant frequency in large population cohorts (gnomAD); This variant is associated with the following publications: (PMID: 34624300, 35456481, 32037395, 29099798, 9618178, 23847049)

Blueprint Genetics
Classification: Pathogenic for RS1-related disorders. Last evaluated: 2022-02-28. Review status: criteria provided, single submitter. Criteria: ACMG Guidelines, 2015. Collection method: clinical testing. Allele origin: germline. Affected: yes. Observed: 2 variant alleles.

Retina International
No classification provided. Review status: no classification provided. Collection method: not provided. Allele origin: unknown. Not counted in ClinVar's aggregate classification.

Literature cited by the submitters: PubMed 9618178 (cited by Labcorp Genetics (formerly Invitae), Labcorp); PubMed 17172462 (cited by Labcorp Genetics (formerly Invitae), Labcorp); PubMed 20238027 (cited by Labcorp Genetics (formerly Invitae), Labcorp); PubMed 23847049 (cited by Labcorp Genetics (formerly Invitae), Labcorp); PubMed 29099798 (cited by Labcorp Genetics (formerly Invitae), Labcorp).